The following is an entry in ClinVar:

NM_001384900.1(SEMA3D):c.2012C>A (p.Thr671Asn)

Genes: SEMA3D (semaphorin 3D; minus strand), LOC126860094 (BRD4-independent group 4 enhancer GRCh37_chr7:84628763-84629962; plus strand). Cytogenetic location: 7q21.11.
Variant type: single nucleotide variant.
Coding change: c.2012C>A on transcript NM_001384900.1 (MANE Select); coding-DNA position 2012, C replaced by A.
Protein change: p.Thr671Asn; replaces threonine 671 with asparagine.
Molecular consequence: missense variant.
Genome position (GRCh38, 1-based): chr7:84,999,762, G>T on the plus strand (C>A on the coding strand, the complement: SEMA3D is on the minus strand). VCF-style: chr7-84999762-G-T. GRCh37 (hg19) VCF-style: chr7-84629078-G-T.
Other names: c.2012C>A, p.Thr671Asn (NM_001384901.1, NM_001384902.1, NM_001384903.1 and 1 more transcripts); short protein forms T671N.
Identifiers: ClinVar variation 4999722 (VCV004999722.1).

ClinVar aggregate classification (germline): Uncertain significance (1 of 4 stars; one submission).

Conditions:
SEMA3D-related disorder. Also called: SEMA3D-related condition.

Submission:

PreventionGenetics, part of Exact Sciences
Classification: Uncertain significance for SEMA3D-related condition. Last evaluated: 2025-01-17. Review status: criteria provided, single submitter. Criteria: ACMG Guidelines, 2015. Collection method: clinical testing. Allele origin: germline.
Comment: The SEMA3D c.2012C>A variant is predicted to result in the amino acid substitution p.Thr671Asn. To our knowledge, this variant has not been reported in the literature. This variant is reported in 0.00088% of alleles in individuals of European (Non-Finnish) descent in gnomAD. At this time, the clinical significance of this variant is uncertain due to the absence of conclusive functional and genetic evidence.